The following is an entry in ClinVar:

NM_006363.6(SEC23B):c.113del (p.Leu38fs)

Gene: SEC23B (SEC23 homolog B, COPII component; plus strand). Cytogenetic location: 20p11.23.
Variant type: Deletion.
Coding change: c.113del on transcript NM_006363.6 (MANE Select); coding-DNA position 113, one base deleted (T; older notation c.113delT).
Protein change: p.Leu38fs; shifts the reading frame from leucine 38.
Molecular consequence: frameshift variant.
Genome position (GRCh38, 1-based): chr20:18,510,948, T deleted. VCF-style (leftmost placement, unchanged base first): chr20-18510947-CT-C. GRCh37 (hg19) VCF-style: chr20-18491591-CT-C.
Other names: c.113del, p.Leu38fs (NM_001172745.3, NM_001172746.3, NM_032985.6 and 1 more transcripts); short protein forms L38fs.
Identifiers: ClinVar variation 1705507 (VCV001705507.1), dbSNP rs755624074, ClinGen allele CA9777925.

ClinVar aggregate classification (germline): Likely pathogenic (1 of 4 stars; one submission).

Conditions:
Congenital dyserythropoietic anemia, type II (CDAN2). Also called: DYSERYTHROPOIETIC ANEMIA, HEMPAS TYPE. Identifiers: Orphanet 98873, MedGen C1306589, MONDO:0009134, OMIM 224100.

Allele frequency attached by ClinVar (database versions not stated): gnomAD exomes below 0.00001; ExAC 0.00001; gnomAD 0.00001.

Submission:

3billion
Classification: Likely pathogenic for Congenital dyserythropoietic anemia, type II. Last evaluated: 2022-09-01. Review status: criteria provided, single submitter. Criteria: ACMG Guidelines, 2015. Collection method: clinical testing. Allele origin: germline. Affected: yes. Observed: 1 heterozygote.
Comment: The variant is observed at an extremely low frequency in the gnomAD v2.1.1 dataset (total allele frequency: <0.001%). Frameshift variant is predicted to result in a loss or disruption of normal protein function through nonsense-mediated decay (NMD) or protein truncation. Multiple pathogenic variants are reported downstream of the variant. Therefore, this variant is classified as Likely pathogenic according to the recommendation of ACMG/AMP guideline.